The following is an entry in ClinVar:

NM_001173464.2(KIF21A):c.1063T>C (p.Phe355Leu)

Gene: KIF21A (kinesin family member 21A; minus strand). Cytogenetic location: 12q12.
Variant type: single nucleotide variant.
Coding change: c.1063T>C on transcript NM_001173464.2 (MANE Select); coding-DNA position 1063, T replaced by C.
Protein change: p.Phe355Leu; replaces phenylalanine 355 with leucine.
Molecular consequence: missense variant.
Genome position (GRCh38, 1-based): chr12:39,358,330, A>G on the plus strand (T>C on the coding strand, the complement: KIF21A is on the minus strand). VCF-style: chr12-39358330-A-G. GRCh37 (hg19) VCF-style: chr12-39752132-A-G.
Other names: c.1063T>C, p.Phe355Leu (NM_017641.4, NM_001173463.2, NM_001173465.2 and 3 more transcripts); short protein forms F355L.
Identifiers: ClinVar variation 2642847 (VCV002642847.24), dbSNP rs2501786606, ClinGen allele CA384380770.

ClinVar aggregate classification (germline): Uncertain significance (1 of 4 stars; one submission).

Submission:

CeGaT Center for Human Genetics Tuebingen
Classification: Uncertain significance. Last evaluated: 2023-03-01. Review status: criteria provided, single submitter. Criteria: CeGaT Center For Human Genetics Tuebingen Variant Classification Criteria Version 2. Collection method: clinical testing. Allele origin: germline. Affected: yes. Observed: 1 variant allele.
Comment: KIF21A: PM2